The following is an entry in ClinVar:

ClinVar aggregate classification (germline): Likely benign. Review status: criteria provided, multiple submitters, no conflicts (2 of 4 stars). 3 submissions from 3 submitters: Likely benign (3). Last evaluated 2026-09-21.

Conditions:
MTMR2-related disorder. Also called: MTMR2-related condition.
Charcot-Marie-Tooth disease type 4. Also called: Charcot-Marie-Tooth disease, type IV; Charcot-Marie-Tooth, Type 4. Identifiers: Orphanet 64749, MedGen C4082197, MONDO:0018995.

Allele frequency attached by ClinVar (database versions not stated): gnomAD exomes 0.00004 and 0.00002; ESP Exome Variant Server 0.00008; ExAC 0.00001; gnomAD 0.00001; TOPMed 0.00003.
gnomAD v4.1: 36 of 1,613,590 alleles (0.0022%); highest among the groups gnomAD compares: Non-Finnish European, 0.0028%; no homozygotes.

Submissions (3):

PreventionGenetics, part of Exact Sciences
Classification: Likely benign for MTMR2-related condition. Last evaluated: 2026-09-21. Review status: criteria provided, single submitter. Criteria: ACMG Guidelines, 2015. Collection method: clinical testing. Allele origin: germline.
Comment: This variant is classified as likely benign based on ACMG/AMP sequence variant interpretation guidelines (Richards et al. 2015 PMID: 25741868, with internal and published modifications).

Labcorp Genetics (formerly Invitae), Labcorp
Classification: Likely benign for Charcot-Marie-Tooth disease type 4. Last evaluated: 2024-07-03. Review status: criteria provided, single submitter. Criteria: Invitae Variant Classification Sherloc (09022015). Collection method: clinical testing. Allele origin: germline.

GeneDx
Classification: Likely benign. Last evaluated: 2017-04-20. Review status: criteria provided, single submitter. Criteria: GeneDx Variant Classification (06012015). Collection method: clinical testing. Allele origin: germline. Affected: yes.
Comment: This variant is considered likely benign or benign based on one or more of the following criteria: it is a conservative change, it occurs at a poorly conserved position in the protein, it is predicted to be benign by multiple in silico algorithms, and/or has population frequency not consistent with disease.

NM_016156.6(MTMR2):c.1446A>G (p.Gln482=)

Gene: MTMR2 (myotubularin related protein 2; minus strand). Cytogenetic location: 11q21.
Variant type: single nucleotide variant.
Coding change: c.1446A>G on transcript NM_016156.6 (MANE Select); coding-DNA position 1446, A replaced by G.
Protein change: p.Gln482=; no amino-acid change (glutamine 482 retained).
Molecular consequence: synonymous variant.
Genome position (GRCh38, 1-based): chr11:95,841,650, T>C on the plus strand (A>G on the coding strand, the complement: MTMR2 is on the minus strand). VCF-style: chr11-95841650-T-C. GRCh37 (hg19) VCF-style: chr11-95574814-T-C.
Other names: c.1230A>G, p.Gln410= (NM_001243571.2, NM_201278.3, NM_201281.3).
Identifiers: ClinVar variation 509081 (VCV000509081.9), dbSNP rs376166939, ClinGen allele CA6239992.